The following is an entry in ClinVar:

ClinVar aggregate classification (germline): Uncertain significance (1 of 4 stars; one submission).

Conditions:
Ellis-van Creveld syndrome (EVC). Also called: Chondroectodermal dysplasia; EVC-Related Ellis-van Creveld Syndrome; EVC2-Related Ellis-van Creveld Syndrome; MESOECTODERMAL DYSPLASIA. Identifiers: Orphanet 289, MedGen C0013903, MONDO:0009162, OMIM 225500.
Curry-Hall syndrome (WAD). Also called: WEYERS ACRODENTAL DYSOSTOSIS. Identifiers: Orphanet 952, MedGen C0457013, MONDO:0008673, OMIM 193530.

Allele frequency attached by ClinVar (database versions not stated): gnomAD exomes below 0.00001.
gnomAD v4.1: 5 of 1,459,622 alleles (0.00034%); highest among the groups gnomAD compares: Non-Finnish European, 0.00045%; no homozygotes.

Submission:

Labcorp Genetics (formerly Invitae), Labcorp
Classification: Uncertain significance for Curry-Hall syndrome; Ellis-van Creveld syndrome. Last evaluated: 2025-06-29. Review status: criteria provided, single submitter. Criteria: Invitae Variant Classification Sherloc (09022015). Collection method: clinical testing. Allele origin: germline.
Comment: This sequence change replaces serine, which is neutral and polar, with glycine, which is neutral and non-polar, at codon 67 of the EVC2 protein (p.Ser67Gly). This variant is not present in population databases (gnomAD no frequency). This variant has not been reported in the literature in individuals affected with EVC2-related conditions. ClinVar contains an entry for this variant (Variation ID: 1383172). An algorithm developed to predict the effect of missense changes on protein structure and function (PolyPhen-2) suggests that this variant is likely to be tolerated. Algorithms developed to predict the effect of sequence changes on RNA splicing suggest that this variant may disrupt the consensus splice site. In summary, the available evidence is currently insufficient to determine the role of this variant in disease. Therefore, it has been classified as a Variant of Uncertain Significance.

NM_147127.5(EVC2):c.199A>G (p.Ser67Gly)

Gene: EVC2 (EvC ciliary complex subunit 2; minus strand). Cytogenetic location: 4p16.2.
Variant type: single nucleotide variant.
Coding change: c.199A>G on transcript NM_147127.5 (MANE Select); coding-DNA position 199, A replaced by G.
Protein change: p.Ser67Gly; replaces serine 67 with glycine.
Molecular consequence: missense variant. On other transcripts: intron variant (1).
Genome position (GRCh38, 1-based): chr4:5,708,315, T>C on the plus strand (A>G on the coding strand, the complement: EVC2 is on the minus strand). VCF-style: chr4-5708315-T-C. GRCh37 (hg19) VCF-style: chr4-5710042-T-C.
Other names: c.-13+514A>G (NM_001166136.2); short protein forms S67G.
Identifiers: ClinVar variation 1383172 (VCV001383172.7), dbSNP rs1722347761, ClinGen allele CA356154114.
Genomic context (GRCh38, chr4:5,708,315, plus strand): 5'-AGACCGGAGCCTGGGGTCGGGCCCTCCTTACCTGCGTGCTGCTCTCGGGCCCCGCCCCGC[T>C]CCGCCCCGGAGGGATCCTCAGGCCGGGCCCAGACCTAGGAGCCACCTGGGGATCCCGGGG-3'
Protein context (NP_667338.3, residues 57-77): GPGLRIPPGR[Ser67Gly]GAGPESSTQD